The following is an entry in ClinVar:

NC_000011.10:g.47337382C>T

Gene: MYBPC3 (myosin binding protein C3; minus strand). Cytogenetic location: 11p11.2.
Variant type: single nucleotide variant.
Genome position: GRCh38 VCF-style: chr11-47337382-C-T. GRCh37 (hg19) VCF-style: chr11-47358933-C-T.
Other names: c.2602+9G>A (LRG_386t1, NM_000256.3).
Identifiers: ClinVar variation 391308 (VCV000391308.6), dbSNP rs960769310, ClinGen allele CA16605921.

ClinVar aggregate classification (germline): Conflicting classifications of pathogenicity. Review status: criteria provided, conflicting classifications (1 of 4 stars). 3 submissions from 3 submitters: Uncertain significance (1); Likely benign (2). Last evaluated 2025-07-01.

Conditions:
Cardiomyopathy (CMYO). Also called: Cardiomyopathies. Identifiers: Orphanet 167848, MedGen C0878544, MONDO:0004994, HP:0001638. Inheritance: Various modes of inheritance.
Hypertrophic cardiomyopathy. Also called: HYPERTROPHIC MYOCARDIOPATHY. Identifiers: Orphanet 217569, MedGen C0007194, MeSH D002312, MONDO:0005045, HP:0001639.

Allele frequency attached by ClinVar (database versions not stated): gnomAD exomes below 0.00001; TOPMed 0.00002.
gnomAD v4.1: 20 of 1,571,242 alleles (0.0013%); highest among the groups gnomAD compares: Non-Finnish European, 0.0016%; no homozygotes.

Submissions (3):

Labcorp Genetics (formerly Invitae), Labcorp
Classification: Likely benign for Hypertrophic cardiomyopathy. Last evaluated: 2025-07-01. Review status: criteria provided, single submitter. Criteria: Invitae Variant Classification Sherloc (09022015). Collection method: clinical testing. Allele origin: germline.

CHEO Genetics Diagnostic Laboratory, Children's Hospital of Eastern Ontario
Classification: Uncertain significance for Cardiomyopathy. Last evaluated: 2019-10-29. Review status: criteria provided, single submitter. Criteria: ACMG Guidelines, 2015. Collection method: clinical testing. Allele origin: germline.

GeneDx
Classification: Likely benign. Last evaluated: 2016-11-29. Review status: criteria provided, single submitter. Criteria: GeneDx Variant Classification (06012015). Collection method: clinical testing. Allele origin: germline. Affected: yes.
Comment: This variant is considered likely benign or benign based on one or more of the following criteria: it is a conservative change, it occurs at a poorly conserved position in the protein, it is predicted to be benign by multiple in silico algorithms, and/or has population frequency not consistent with disease.